The following is an entry in ClinVar:

ClinVar aggregate classification (germline): Likely benign (0 of 4 stars; one submission).

Conditions:
TRAPPC10-related disorder. Also called: TRAPPC10-related condition.

Allele frequency attached by ClinVar (database versions not stated): 1000 Genomes Project 30x 0.00031; 1000 Genomes Project 0.00040; ESP Exome Variant Server 0.00046; ExAC 0.00047; gnomAD 0.00058; TOPMed 0.00065; gnomAD exomes 0.00103.
gnomAD v4.1: 1,611 of 1,611,586 alleles (0.1%); highest among the groups gnomAD compares: Non-Finnish European, 0.12%; 4 homozygotes.

Submissions (2):

PreventionGenetics, part of Exact Sciences
Classification: Likely benign for TRAPPC10-related condition. Last evaluated: 2023-06-20. Review status: no assertion criteria provided. Collection method: clinical testing. Allele origin: germline.
Comment: This variant is classified as likely benign based on ACMG/AMP sequence variant interpretation guidelines (Richards et al. 2015 PMID: 25741868, with internal and published modifications).

Dr. Peter K. Rogan Lab, Western University
No classification provided (evidence only). Condition: Lymphoma. Review status: no classification provided. Collection method: in vitro. Allele origin: not applicable. Functional consequence: retained intron. Not counted in ClinVar's aggregate classification.

NM_003274.5(TRAPPC10):c.149+5G>C

Gene: TRAPPC10 (trafficking protein particle complex subunit 10; plus strand). Cytogenetic location: 21q22.3.
Variant type: single nucleotide variant.
Coding change: c.149+5G>C on transcript NM_003274.5 (MANE Select); 5 bases into the intron after coding-DNA position 149, G replaced by C.
Molecular consequence: intron variant.
Genome position (GRCh38, 1-based): chr21:44,032,177, G>C. VCF-style: chr21-44032177-G-C. GRCh37 (hg19) VCF-style: chr21-45452058-G-C.
Other names: NC_000021.8:g.45452058G>C.
Identifiers: ClinVar variation 3034396 (VCV003034396.3), dbSNP rs201213914, ClinGen allele CA10050121.
Genomic context (GRCh38, chr21:44,032,177, plus strand): 5'-TCTGTTTATCCAACGCTCTCTCAGCAGCTTCCAAGAGAACCAATGGAATGGAGAAGGTAT[G>C]AGTTGTGTGTTTTTTGGCTGTATCCCTCTCTTCATTTTTTAAAATGAAGTACATGTTTTT-3'